The following is an entry in ClinVar:

ClinVar aggregate classification (germline): Uncertain significance (1 of 4 stars; one submission).

Allele frequency attached by ClinVar (database versions not stated): TOPMed below 0.00001.
gnomAD v4.1: 5 of 1,533,046 alleles (0.00033%); highest among the groups gnomAD compares: Non-Finnish European, 0.00044%; no homozygotes.

Submission:

Labcorp Genetics (formerly Invitae), Labcorp
Classification: Uncertain significance. Last evaluated: 2021-06-22. Review status: criteria provided, single submitter. Criteria: Invitae Variant Classification Sherloc (09022015). Collection method: clinical testing. Allele origin: germline.
Comment: In summary, the available evidence is currently insufficient to determine the role of this variant in disease. Therefore, it has been classified as a Variant of Uncertain Significance. Algorithms developed to predict the effect of missense changes on protein structure and function are either unavailable or do not agree on the potential impact of this missense change (SIFT: "Deleterious"; PolyPhen-2: "Possibly Damaging"; Align-GVGD: "Class C0"). This variant has not been reported in the literature in individuals with MKL1-related conditions. This variant is not present in population databases (ExAC no frequency). This sequence change replaces proline with threonine at codon 213 of the MKL1 protein (p.Pro213Thr). The proline residue is highly conserved and there is a small physicochemical difference between proline and threonine.

NM_020831.6(MRTFA):c.937C>A (p.Pro313Thr)

Gene: MRTFA (myocardin related transcription factor A; minus strand). Cytogenetic location: 22q13.1.
Variant type: single nucleotide variant.
Coding change: c.937C>A on transcript NM_020831.6 (MANE Select); coding-DNA position 937, C replaced by A.
Protein change: p.Pro313Thr; replaces proline 313 with threonine.
Molecular consequence: missense variant.
Genome position (GRCh38, 1-based): chr22:40,421,091, G>T on the plus strand (C>A on the coding strand, the complement: MRTFA is on the minus strand). VCF-style: chr22-40421091-G-T. GRCh37 (hg19) VCF-style: chr22-40817095-G-T.
Other names: c.637C>A, p.Pro213Thr (NM_001282660.2); c.787C>A, p.Pro263Thr (NM_001282661.3); c.937C>A, p.Pro313Thr (NM_001282662.3); c.742C>A, p.Pro248Thr (NM_001318139.2); short protein forms P213T, P248T, P263T, P313T.
Identifiers: ClinVar variation 1683129 (VCV001683129.8), dbSNP rs1177811456, ClinGen allele CA411664850.
Genomic context (GRCh38, chr22:40,421,091, plus strand): 5'-CCTTTGGCTTCAGCTCCTTGGCCTTCTTGCTGCGCTGTGACTTCTCACTGGCAGACTTGG[G>T]TTGGCTTTGCTGAGGGCACAGGAGACAGGGTGCCATTCAGGGGCAGCCTCAGGCTTCTCG-3'
Protein context (NP_065882.2, residues 303-323): STPTLIKQSQ[Pro313Thr]KSASEKSQRS